The following is an entry in ClinVar:

ClinVar aggregate classification (germline): Conflicting classifications of pathogenicity. Review status: criteria provided, conflicting classifications (1 of 4 stars). 8 submissions from 8 submitters: Uncertain significance (7); Likely benign (1). Last evaluated 2026-01-19.

Conditions:
SMARCA4-related disorder. Also called: SMARCA4-related condition.
Hereditary cancer-predisposing syndrome. Also called: Neoplastic Syndromes, Hereditary; Hereditary neoplastic syndrome; Hereditary Cancer Syndrome; Tumor predisposition. Identifiers: Orphanet 140162, MedGen C0027672, MeSH D009386, MONDO:0015356.
Intellectual disability, autosomal dominant 16 (CSS4). Also called: COFFIN-SIRIS SYNDROME 4. Identifiers: Orphanet 1465, MedGen C3553249, MONDO:0013821, OMIM 614609.
Rhabdoid tumor predisposition syndrome 2 (RTPS2). Identifiers: Orphanet 231108, Orphanet 69077, MedGen C2750074, MONDO:0013224, OMIM 613325.

Allele frequency attached by ClinVar (database versions not stated): gnomAD exomes below 0.00001; ExAC 0.00001.
gnomAD v4.1: 8 of 1,609,928 alleles (0.0005%); highest among the groups gnomAD compares: East Asian, 0.0045%; no homozygotes.

Submissions (8):

Labcorp Genetics (formerly Invitae), Labcorp
Classification: Uncertain significance for Rhabdoid tumor predisposition syndrome 2. Last evaluated: 2026-01-19. Review status: criteria provided, single submitter. Criteria: Invitae Variant Classification Sherloc (09022015). Collection method: clinical testing. Allele origin: germline.
Comment: This sequence change replaces proline, which is neutral and non-polar, with histidine, which is basic and polar, at codon 45 of the SMARCA4 protein (p.Pro45His). This variant is present in population databases (rs367601832, gnomAD 0.006%). This variant has not been reported in the literature in individuals affected with SMARCA4-related conditions. ClinVar contains an entry for this variant (Variation ID: 238372). Invitae Evidence Modeling of protein sequence and biophysical properties (such as structural, functional, and spatial information, amino acid conservation, physicochemical variation, residue mobility, and thermodynamic stability) has been performed for this missense variant. However, the output from this modeling did not meet the statistical confidence thresholds required to predict the impact of this variant on SMARCA4 protein function. In summary, the available evidence is currently insufficient to determine the role of this variant in disease. Therefore, it has been classified as a Variant of Uncertain Significance.

Myriad Genetics, Inc.
Classification: Likely benign for Rhabdoid tumor predisposition syndrome 2. Last evaluated: 2025-12-12. Review status: criteria provided, single submitter. Criteria: Myriad Autosomal Dominant, Autosomal Recessive and X-Linked Classification Criteria (2023). Collection method: clinical testing. Allele origin: unknown.
Comment: This variant is considered likely benign. Homozygosity has been confirmed in one or more individuals. As homozygosity for pathogenic variants in this gene is generally assumed to result in embryonic lethality, this variant is unlikely to be pathogenic.

PreventionGenetics, part of Exact Sciences
Classification: Uncertain significance for SMARCA4-related condition. Last evaluated: 2025-09-25. Review status: criteria provided, single submitter. Criteria: ACMG Guidelines, 2015. Collection method: clinical testing. Allele origin: germline.
Comment: The SMARCA4 c.134C>A variant is predicted to result in the amino acid substitution p.Pro45His. To our knowledge, this variant has not been reported in the literature or large population database gnomAD. This variant is classified as uncertain in ClinVar (Variation ID: 238372). At this time, the clinical significance of this variant is uncertain due to the absence of conclusive functional and genetic evidence.

Ambry Genetics
Classification: Uncertain significance for Hereditary cancer-predisposing syndrome. Last evaluated: 2024-10-08. Review status: criteria provided, single submitter. Criteria: Ambry Variant Classification Scheme 2023. Collection method: clinical testing. Allele origin: germline.

Baylor Genetics
Classification: Uncertain significance for Rhabdoid tumor predisposition syndrome 2. Last evaluated: 2024-03-04. Review status: criteria provided, single submitter. Criteria: ACMG Guidelines, 2015. Collection method: clinical testing. Allele origin: unknown.

GeneDx
Classification: Uncertain significance. Last evaluated: 2024-01-27. Review status: criteria provided, single submitter. Criteria: GeneDx Variant Classification Process June 2021. Collection method: clinical testing. Allele origin: germline. Affected: yes.
Comment: Not observed at significant frequency in large population cohorts (gnomAD); In silico analysis supports that this missense variant has a deleterious effect on protein structure/function; Has not been previously published as pathogenic or benign to our knowledge

Quest Diagnostics Nichols Institute San Juan Capistrano
Classification: Uncertain significance. Last evaluated: 2023-05-12. Review status: criteria provided, single submitter. Criteria: Quest Diagnostics criteria. Collection method: clinical testing. Allele origin: unknown.
Comment: This variant has not been reported in the published literature. It also has not been reported in large, multi-ethnic general populations. Analysis of this variant using bioinformatics tools for the prediction of the effect of amino acid changes on protein structure and function yielded predictions that this variant is damaging. Based on the available information, we are unable to determine the clinical significance of this variant.

Genome-Nilou Lab
Classification: Uncertain significance for Intellectual disability, autosomal dominant 16. Last evaluated: 2021-07-15. Review status: criteria provided, single submitter. Criteria: ACMG Guidelines, 2015. Collection method: clinical testing. Allele origin: germline. Affected: no.

NM_003072.5(SMARCA4):c.134C>A (p.Pro45His)

Gene: SMARCA4 (SWI/SNF related BAF chromatin remodeling complex subunit ATPase 4; plus strand). Cytogenetic location: 19p13.2.
Variant type: single nucleotide variant.
Coding change: c.134C>A on transcript NM_003072.5 (MANE Select); coding-DNA position 134, C replaced by A.
Protein change: p.Pro45His; replaces proline 45 with histidine.
Molecular consequence: missense variant. On other transcripts: non-coding transcript variant (1).
Genome position (GRCh38, 1-based): chr19:10,984,285, C>A. VCF-style: chr19-10984285-C-A. GRCh37 (hg19) VCF-style: chr19-11094961-C-A.
Other names: c.134C>A, p.Pro45His (NM_001128844.3, NM_001128845.2, NM_001128846.2 and 5 more transcripts); short protein forms P45H.
Identifiers: ClinVar variation 238372 (VCV000238372.26), dbSNP rs367601832, ClinGen allele CA9203407.